The following is an entry in ClinVar:

NM_032188.3(KAT8):c.58G>C (p.Glu20Gln)

Gene: KAT8 (lysine acetyltransferase 8; plus strand). Cytogenetic location: 16p11.2.
Variant type: single nucleotide variant.
Coding change: c.58G>C on transcript NM_032188.3 (MANE Select); coding-DNA position 58, G replaced by C.
Protein change: p.Glu20Gln; replaces glutamic acid 20 with glutamine.
Molecular consequence: missense variant.
Genome position (GRCh38, 1-based): chr16:31,117,739, G>C. VCF-style: chr16-31117739-G-C. GRCh37 (hg19) VCF-style: chr16-31129060-G-C.
Other names: c.58G>C, p.Glu20Gln (NM_182958.4); short protein forms E20Q.
Identifiers: ClinVar variation 4529816 (VCV004529816.1).

ClinVar aggregate classification (germline): Uncertain significance (1 of 4 stars; one submission).

Submission:

GeneDx
Classification: Uncertain significance. Last evaluated: 2025-05-12. Review status: criteria provided, single submitter. Criteria: GeneDx Variant Classification Process June 2021. Collection method: clinical testing. Allele origin: germline. Affected: yes.
Comment: Not observed at significant frequency in large population cohorts (gnomAD); In silico analysis supports that this missense variant has a deleterious effect on protein structure/function; Has not been previously published as pathogenic or benign to our knowledge